The following is an entry in ClinVar:

ClinVar aggregate classification (germline): Pathogenic/Likely pathogenic. Review status: criteria provided, multiple submitters, no conflicts (2 of 4 stars). 4 submissions from 4 submitters: Pathogenic (3); Likely pathogenic (1). Last evaluated 2025-12-01.

Conditions:
Thyroid dyshormonogenesis 6 (TDH6). Also called: Genetic transient congenital hypothyroidism; THYROID HORMONOGENESIS, GENETIC DEFECT IN, 6; HYPOTHYROIDISM, CONGENITAL, DUE TO DYSHORMONOGENESIS, 6. Identifiers: Orphanet 226316, Orphanet 95716, MedGen C1846632, MONDO:0011792, OMIM 607200.

Allele frequency attached by ClinVar (database versions not stated): 1000 Genomes Project 30x 0.00016; TOPMed 0.00002; 1000 Genomes Project 0.00020; gnomAD 0.00001 and 0.00003; gnomAD exomes 0.00002; ESP Exome Variant Server 0.00008.
gnomAD v4.1: 30 of 1,614,178 alleles (0.0019%); highest among the groups gnomAD compares: African/African-American, 0.0067%; no homozygotes.

Submissions (4):

Labcorp Genetics (formerly Invitae), Labcorp
Classification: Pathogenic. Last evaluated: 2025-12-01. Review status: criteria provided, single submitter. Criteria: Invitae Variant Classification Sherloc (09022015). Collection method: clinical testing. Allele origin: germline.
Comment: This sequence change creates a premature translational stop signal (p.Arg536*) in the DUOX2 gene. It is expected to result in an absent or disrupted protein product. Loss-of-function variants in DUOX2 are known to be pathogenic (PMID: 12110737, 18765513, 21565790, 24423310, 24735383). This variant is present in population databases (rs368967911, gnomAD 0.004%). This premature translational stop signal has been observed in individual(s) with congenital hypothyroidism (PMID: 29650690). ClinVar contains an entry for this variant (Variation ID: 1414720). For these reasons, this variant has been classified as Pathogenic.

Laboratory of Genetics, Children's Clinical University Hospital Latvia
Classification: Likely pathogenic. Last evaluated: 2025-02-16. Review status: criteria provided, single submitter. Criteria: ACMG Guidelines, 2015. Collection method: clinical testing. Allele origin: germline. Affected: yes.

Fulgent Genetics
Classification: Pathogenic for Thyroid dyshormonogenesis 6. Last evaluated: 2024-05-02. Review status: criteria provided, single submitter. Criteria: ACMG Guidelines, 2015. Collection method: clinical testing. Allele origin: germline.

GeneDx
Classification: Pathogenic. Last evaluated: 2023-04-28. Review status: criteria provided, single submitter. Criteria: GeneDx Variant Classification Process June 2021. Collection method: clinical testing. Allele origin: germline. Affected: yes.
Comment: Nonsense variant predicted to result in protein truncation or nonsense mediated decay in a gene for which loss of function is a known mechanism of disease; This variant is associated with the following publications: (PMID: 29650690, 34200080, 34539567, 33124651, 33145277)

Literature cited by the submitters: PubMed 12110737 (cited by Labcorp Genetics (formerly Invitae), Labcorp); PubMed 18765513 (cited by Labcorp Genetics (formerly Invitae), Labcorp); PubMed 21565790 (cited by Labcorp Genetics (formerly Invitae), Labcorp); PubMed 24423310 (cited by Labcorp Genetics (formerly Invitae), Labcorp); PubMed 24735383 (cited by Labcorp Genetics (formerly Invitae), Labcorp); PubMed 29650690 (cited by Labcorp Genetics (formerly Invitae), Labcorp).

NM_001363711.2(DUOX2):c.1606C>T (p.Arg536Ter)

Gene: DUOX2 (dual oxidase 2; minus strand). Cytogenetic location: 15q21.1.
Variant type: single nucleotide variant.
Coding change: c.1606C>T on transcript NM_001363711.2 (MANE Select); coding-DNA position 1606, C replaced by T.
Protein change: p.Arg536Ter; replaces arginine 536 with a stop codon.
Molecular consequence: nonsense.
Genome position (GRCh38, 1-based): chr15:45,107,432, G>A on the plus strand (C>T on the coding strand, the complement: DUOX2 is on the minus strand). VCF-style: chr15-45107432-G-A. GRCh37 (hg19) VCF-style: chr15-45399630-G-A.
Other names: c.1606C>T, p.Arg536Ter (NM_014080.5); c.1606C>T (NM_014080.4); short protein forms R536*.
Identifiers: ClinVar variation 1414720 (VCV001414720.11), dbSNP rs368967911, ClinGen allele CA7538548.